The following is an entry in ClinVar:

ClinVar aggregate classification (germline): Benign. Review status: criteria provided, multiple submitters, no conflicts (2 of 4 stars). 3 submissions from 3 submitters: Benign (2). 1 of the submissions does not count toward it. Last evaluated 2026-01-24.

Conditions:
TCN2-related disorder. Also called: TCN2-related condition.
Transcobalamin II deficiency (TCN2D). Also called: TC II DEFICIENCY; TCN2 DEFICIENCY; Transcolabamin II deficiency. Identifiers: Orphanet 859, MedGen C0342701, MONDO:0010149, OMIM 275350.

Allele frequency attached by ClinVar (database versions not stated): 1000 Genomes Project 30x 0.00281; 1000 Genomes Project 0.00319.
gnomAD v4.1: 599 of 1,613,774 alleles (0.037%); highest among the groups gnomAD compares: East Asian, 1.2%; 4 homozygotes.

Submissions (3):

Labcorp Genetics (formerly Invitae), Labcorp
Classification: Benign for Transcobalamin II deficiency. Last evaluated: 2026-01-24. Review status: criteria provided, single submitter. Criteria: Invitae Variant Classification Sherloc (09022015). Collection method: clinical testing. Allele origin: germline.

Illumina Laboratory Services, Illumina
Classification: Benign for Transcobalamin II deficiency. Last evaluated: 2018-01-13. Review status: criteria provided, single submitter. Criteria: ICSL Variant Classification Criteria 13 December 2019. Collection method: clinical testing. Allele origin: germline.
Comment: This variant was observed in the ICSL laboratory as part of a predisposition screen in an ostensibly healthy population. It had not been previously curated by ICSL or reported in the Human Gene Mutation Database (HGMD: prior to June 1st, 2018), and was therefore a candidate for classification through an automated scoring system. Utilizing variant allele frequency, disease prevalence and penetrance estimates, and inheritance mode, an automated score was calculated to assess if this variant is too frequent to cause the disease. Based on the score and internal cut-off values, a variant classified as benign is not then subjected to further curation. The score for this variant resulted in a classification of benign for this disease.

PreventionGenetics, part of Exact Sciences
Classification: Likely benign for TCN2-related condition. Last evaluated: 2024-04-17. Review status: no assertion criteria provided. Collection method: clinical testing. Allele origin: germline. Not counted in ClinVar's aggregate classification.
Comment: This variant is classified as likely benign based on ACMG/AMP sequence variant interpretation guidelines (Richards et al. 2015 PMID: 25741868, with internal and published modifications).

NM_000355.4(TCN2):c.581-8A>T

Gene: TCN2 (transcobalamin 2; plus strand). Cytogenetic location: 22q12.2.
Variant type: single nucleotide variant.
Coding change: c.581-8A>T on transcript NM_000355.4 (MANE Select); 8 bases into the intron before coding-DNA position 581, A replaced by T.
Molecular consequence: intron variant.
Genome position (GRCh38, 1-based): chr22:30,615,293, A>T. VCF-style: chr22-30615293-A-T. GRCh37 (hg19) VCF-style: chr22-31011280-A-T.
Other names: c.500-8A>T (NM_001184726.2).
Identifiers: ClinVar variation 735212 (VCV000735212.14), dbSNP rs7290898, ClinGen allele CA10184743.